The following is an entry in ClinVar:

ClinVar aggregate classification (germline): Uncertain significance (1 of 4 stars; one submission).

gnomAD v4.1: 2 of 1,613,956 alleles (0.00012%); highest among the groups gnomAD compares: Non-Finnish European, 0.00017%; no homozygotes.

Submission:

Labcorp Genetics (formerly Invitae), Labcorp
Classification: Uncertain significance. Last evaluated: 2025-05-03. Review status: criteria provided, single submitter. Criteria: Invitae Variant Classification Sherloc (09022015). Collection method: clinical testing. Allele origin: germline.
Comment: This sequence change replaces lysine, which is basic and polar, with glutamic acid, which is acidic and polar, at codon 20 of the BLK protein (p.Lys20Glu). This variant is not present in population databases (gnomAD no frequency). This variant has not been reported in the literature in individuals affected with BLK-related conditions. An algorithm developed to predict the effect of missense changes on protein structure and function (PolyPhen-2) suggests that this variant is likely to be disruptive. In summary, the available evidence is currently insufficient to determine the role of this variant in disease. Therefore, it has been classified as a Variant of Uncertain Significance.

NM_001715.3(BLK):c.58A>G (p.Lys20Glu)

Gene: BLK (BLK proto-oncogene, Src family tyrosine kinase). Cytogenetic location: 8p23.1.
Variant type: single nucleotide variant.
Coding change: c.58A>G on transcript NM_001715.3 (MANE Select); coding-DNA position 58, A replaced by G.
Protein change: p.Lys20Glu; replaces lysine 20 with glutamic acid.
Molecular consequence: missense variant. On other transcripts: intron variant (1).
Genome position (GRCh38, 1-based): chr8:11,543,282, A>G. VCF-style: chr8-11543282-A-G. GRCh37 (hg19) VCF-style: chr8-11400791-A-G.
Other names: c.-90-2770A>G (NM_001330465.2); short protein forms K20E.
Identifiers: ClinVar variation 4698682 (VCV004698682.1).